The following is an entry in ClinVar:

ClinVar aggregate classification (germline): Pathogenic (1 of 4 stars; one submission).

Conditions:
Ataxia-telangiectasia syndrome (AT). Also called: ATAXIA-TELANGIECTASIA, COMPLEMENTATION GROUP A; ATAXIA-TELANGIECTASIA, FRESNO VARIANT; Ataxia-telangiectasia; Ataxia-telangiectasia, complementation group D; AT, COMPLEMENTATION GROUP C; Ataxia-telangiectasia, complementation group E. Identifiers: Orphanet 100, MedGen C0004135, MONDO:0008840, OMIM 208900.

Submission:

Labcorp Genetics (formerly Invitae), Labcorp
Classification: Pathogenic for Ataxia-telangiectasia syndrome. Last evaluated: 2019-12-17. Review status: criteria provided, single submitter. Criteria: Invitae Variant Classification Sherloc (09022015). Collection method: clinical testing. Allele origin: germline.
Comment: Donor and acceptor splice site variants typically lead to a loss of protein function (PMID: 16199547), and loss-of-function variants in ATM are known to be pathogenic (PMID: 23807571, 25614872). Algorithms developed to predict the effect of sequence changes on RNA splicing suggest that this variant may disrupt the consensus splice site, but this prediction has not been confirmed by published transcriptional studies. A different variant affecting this nucleotide (c.901+2T>A) has been reported in an individual with Ataxia Telangiectasia and been determined to be pathogenic (PMID: 10980530). This suggests that this nucleotide is important for normal RNA splicing, and that other variants at this position may also be pathogenic. This variant is also known as IVS9+2T>A in the literature. This variant has not been reported in the literature in individuals with ATM-related disease. This variant is not present in population databases (ExAC no frequency). This sequence change affects a donor splice site in intron 7 of the ATM gene. It is expected to disrupt RNA splicing and likely results in an absent or disrupted protein product. For these reasons, this variant has been classified as Pathogenic.

Literature cited by the submitters: PubMed 16199547; PubMed 23807571; PubMed 25614872; PubMed 10980530.

NM_000051.4(ATM):c.901+2delinsAA

Gene: ATM (ATM serine/threonine kinase; plus strand). Cytogenetic location: 11q22.3.
Variant type: Indel.
Coding change: c.901+2delinsAA on transcript NM_000051.4 (MANE Select); the canonical splice donor site of the intron after coding-DNA position 901, T replaced by AA.
Molecular consequence: splice donor variant.
Genome position (GRCh38, 1-based): chr11:108,245,028, T replaced by AA. VCF-style: chr11-108245028-T-AA. GRCh37 (hg19) VCF-style: chr11-108115755-T-AA.
Other names: c.901+2delinsAA (NM_001351834.2).
Identifiers: ClinVar variation 524303 (VCV000524303.5), dbSNP rs1555067355, ClinGen allele CA658797778.
Genomic context (GRCh38, chr11:108,245,028, plus strand): 5'-ATTATTTCAACTGCAAATTTATATCCATCATCCGAAAGGAGCCAAAACCCAAGAAAAAGG[T>AA]ATAAAGGAAATGTTTACTGTTTTGAATTTGCTTCTTCATTCAAACATAGAAGTCTAAGTA-3'